The following is an entry in ClinVar:

ClinVar aggregate classification (germline): Uncertain significance (1 of 4 stars; one submission).

Allele frequency attached by ClinVar (database versions not stated): gnomAD exomes below 0.00001.
gnomAD v4.1: 1 of 1,614,064 alleles (0.000062%); highest among the groups gnomAD compares: South Asian, 0.0011%; no homozygotes.

Submission:

Labcorp Genetics (formerly Invitae), Labcorp
Classification: Uncertain significance. Last evaluated: 2024-02-24. Review status: criteria provided, single submitter. Criteria: Invitae Variant Classification Sherloc (09022015). Collection method: clinical testing. Allele origin: germline.
Comment: This sequence change replaces serine, which is neutral and polar, with threonine, which is neutral and polar, at codon 499 of the RIPK1 protein (p.Ser499Thr). This variant is not present in population databases (gnomAD no frequency). This variant has not been reported in the literature in individuals affected with RIPK1-related conditions. ClinVar contains an entry for this variant (Variation ID: 1356311). Algorithms developed to predict the effect of missense changes on protein structure and function output the following: SIFT: "Not Available"; PolyPhen-2: "Benign"; Align-GVGD: "Not Available". The threonine amino acid residue is found in multiple mammalian species, which suggests that this missense change does not adversely affect protein function. In summary, the available evidence is currently insufficient to determine the role of this variant in disease. Therefore, it has been classified as a Variant of Uncertain Significance.

NM_001354930.2(RIPK1):c.1496G>C (p.Ser499Thr)

Gene: RIPK1 (receptor interacting serine/threonine kinase 1; plus strand). Cytogenetic location: 6p25.2.
Variant type: single nucleotide variant.
Coding change: c.1496G>C on transcript NM_001354930.2 (MANE Select); coding-DNA position 1496, G replaced by C.
Protein change: p.Ser499Thr; replaces serine 499 with threonine.
Molecular consequence: missense variant.
Genome position (GRCh38, 1-based): chr6:3,105,971, G>C. VCF-style: chr6-3105971-G-C. GRCh37 (hg19) VCF-style: chr6-3106205-G-C.
Other names: c.1007G>C, p.Ser336Thr (NM_001317061.3, NM_001354932.2, NM_001354933.2 and 1 more transcripts); c.1358G>C, p.Ser453Thr (NM_001354931.2); c.1496G>C, p.Ser499Thr (NM_003804.6); short protein forms S336T, S453T, S499T.
Identifiers: ClinVar variation 1356311 (VCV001356311.8), dbSNP rs919161543, ClinGen allele CA362573584.